The following is an entry in ClinVar:

ClinVar aggregate classification (germline): Likely benign (1 of 4 stars; one submission).

Conditions:
Catecholaminergic polymorphic ventricular tachycardia (CVPT). Also called: Catecholamine-induced polymorphic ventricular tachycardia. Identifiers: Orphanet 3286, MedGen C5574922, MONDO:0017990.

gnomAD v4.1: 1 of 1,613,604 alleles (0.000062%); highest among the groups gnomAD compares: East Asian, 0.0022%; no homozygotes.

Submission:

All of Us Research Program, National Institutes of Health
Classification: Likely benign for Catecholaminergic polymorphic ventricular tachycardia. Last evaluated: 2024-04-25. Review status: criteria provided, single submitter. Criteria: ACMG Guidelines, 2015. Collection method: clinical testing. Allele origin: germline. Inheritance: Autosomal dominant inheritance. Observed: 1 variant allele, 1 heterozygote.
Comment: This study involves interpretation of variants in research participants for the purpose of population health screening. Participant phenotype was not available at the time of variant classification. Additional details can be found in publication PMID: 35346344, PMCID: PMC8962531

NM_001035.3(RYR2):c.6556-15A>C

Gene: RYR2 (ryanodine receptor 2; plus strand). Cytogenetic location: 1q43.
Variant type: single nucleotide variant.
Coding change: c.6556-15A>C on transcript NM_001035.3 (MANE Select); 15 bases into the intron before coding-DNA position 6556, A replaced by C.
Molecular consequence: intron variant.
Genome position (GRCh38, 1-based): chr1:237,633,563, A>C. VCF-style: chr1-237633563-A-C. GRCh37 (hg19) VCF-style: chr1-237796863-A-C.
Identifiers: ClinVar variation 3385767 (VCV003385767.1).